The following continues an entry in ClinVar:

NM_004281.4(BAG3):c.212G>A (p.Arg71Gln)

Gene: BAG3. ClinVar aggregate classification (germline): Benign/Likely benign. Benign (14); Likely benign (3).

Submissions 100 to 123 of 123:

Dr. Peter K. Rogan Lab, Western University
No classification provided (evidence only). Condition: Hepatocellular carcinoma. Review status: no classification provided. Collection method: in vitro. Allele origin: not applicable. Functional consequence: retained intron. Not counted in ClinVar's aggregate classification.

Dr. Peter K. Rogan Lab, Western University
No classification provided (evidence only). Condition: Hepatocellular carcinoma. Review status: no classification provided. Collection method: in vitro. Allele origin: not applicable. Functional consequence: retained intron. Not counted in ClinVar's aggregate classification.

Dr. Peter K. Rogan Lab, Western University
No classification provided (evidence only). Condition: Nonpapillary renal cell carcinoma. Review status: no classification provided. Collection method: in vitro. Allele origin: not applicable. Functional consequence: retained intron. Not counted in ClinVar's aggregate classification.

Dr. Peter K. Rogan Lab, Western University
No classification provided (evidence only). Condition: Thymoma. Review status: no classification provided. Collection method: in vitro. Allele origin: not applicable. Functional consequence: retained intron. Not counted in ClinVar's aggregate classification.

Dr. Peter K. Rogan Lab, Western University
No classification provided (evidence only). Condition: Thymoma. Review status: no classification provided. Collection method: in vitro. Allele origin: not applicable. Functional consequence: retained intron. Not counted in ClinVar's aggregate classification.

Dr. Peter K. Rogan Lab, Western University
No classification provided (evidence only). Condition: Thymoma. Review status: no classification provided. Collection method: in vitro. Allele origin: not applicable. Functional consequence: retained intron. Not counted in ClinVar's aggregate classification.

Dr. Peter K. Rogan Lab, Western University
No classification provided (evidence only). Condition: Adrenocortical carcinoma, hereditary. Review status: no classification provided. Collection method: in vitro. Allele origin: not applicable. Functional consequence: retained intron. Not counted in ClinVar's aggregate classification.

Dr. Peter K. Rogan Lab, Western University
No classification provided (evidence only). Condition: Uterine carcinosarcoma. Review status: no classification provided. Collection method: in vitro. Allele origin: not applicable. Functional consequence: retained intron. Not counted in ClinVar's aggregate classification.

Dr. Peter K. Rogan Lab, Western University
No classification provided (evidence only). Condition: Uterine carcinosarcoma. Review status: no classification provided. Collection method: in vitro. Allele origin: not applicable. Functional consequence: retained intron. Not counted in ClinVar's aggregate classification.

Dr. Peter K. Rogan Lab, Western University
No classification provided (evidence only). Condition: Uveal melanoma. Review status: no classification provided. Collection method: in vitro. Allele origin: not applicable. Functional consequence: retained intron. Not counted in ClinVar's aggregate classification.

Dr. Peter K. Rogan Lab, Western University
No classification provided (evidence only). Condition: Uveal melanoma. Review status: no classification provided. Collection method: in vitro. Allele origin: not applicable. Functional consequence: retained intron. Not counted in ClinVar's aggregate classification.

Dr. Peter K. Rogan Lab, Western University
No classification provided (evidence only). Condition: Uveal melanoma. Review status: no classification provided. Collection method: in vitro. Allele origin: not applicable. Functional consequence: retained intron. Not counted in ClinVar's aggregate classification.

Dr. Peter K. Rogan Lab, Western University
No classification provided (evidence only). Condition: Uveal melanoma. Review status: no classification provided. Collection method: in vitro. Allele origin: not applicable. Functional consequence: retained intron. Not counted in ClinVar's aggregate classification.

Dr. Peter K. Rogan Lab, Western University
No classification provided (evidence only). Condition: Malignant tumor of esophagus. Review status: no classification provided. Collection method: in vitro. Allele origin: not applicable. Functional consequence: retained intron. Not counted in ClinVar's aggregate classification.

Dr. Peter K. Rogan Lab, Western University
No classification provided (evidence only). Condition: Malignant tumor of esophagus. Review status: no classification provided. Collection method: in vitro. Allele origin: not applicable. Functional consequence: retained intron. Not counted in ClinVar's aggregate classification.

Dr. Peter K. Rogan Lab, Western University
No classification provided (evidence only). Condition: Malignant tumor of esophagus. Review status: no classification provided. Collection method: in vitro. Allele origin: not applicable. Functional consequence: retained intron. Not counted in ClinVar's aggregate classification.

Dr. Peter K. Rogan Lab, Western University
No classification provided (evidence only). Condition: Malignant tumor of esophagus. Review status: no classification provided. Collection method: in vitro. Allele origin: not applicable. Functional consequence: retained intron. Not counted in ClinVar's aggregate classification.

Dr. Peter K. Rogan Lab, Western University
No classification provided (evidence only). Condition: Malignant tumor of esophagus. Review status: no classification provided. Collection method: in vitro. Allele origin: not applicable. Functional consequence: retained intron. Not counted in ClinVar's aggregate classification.

Dr. Peter K. Rogan Lab, Western University
No classification provided (evidence only). Condition: Malignant tumor of esophagus. Review status: no classification provided. Collection method: in vitro. Allele origin: not applicable. Functional consequence: retained intron. Not counted in ClinVar's aggregate classification.

Dr. Peter K. Rogan Lab, Western University
No classification provided (evidence only). Condition: Malignant tumor of esophagus. Review status: no classification provided. Collection method: in vitro. Allele origin: not applicable. Functional consequence: retained intron. Not counted in ClinVar's aggregate classification.

Dr. Peter K. Rogan Lab, Western University
No classification provided (evidence only). Condition: Malignant tumor of esophagus. Review status: no classification provided. Collection method: in vitro. Allele origin: not applicable. Functional consequence: retained intron. Not counted in ClinVar's aggregate classification.

Dr. Peter K. Rogan Lab, Western University
No classification provided (evidence only). Condition: Malignant tumor of esophagus. Review status: no classification provided. Collection method: in vitro. Allele origin: not applicable. Functional consequence: skipped exon, retained intron. Not counted in ClinVar's aggregate classification.

Genome Diagnostics Laboratory, University Medical Center Utrecht
Classification: Likely benign. Review status: no assertion criteria provided. Collection method: clinical testing. Allele origin: germline. Affected: yes. Study: VKGL Data-share Consensus. Not counted in ClinVar's aggregate classification.

Joint Genome Diagnostic Labs from Nijmegen and Maastricht, Radboudumc and MUMC+
Classification: Benign. Review status: no assertion criteria provided. Collection method: clinical testing. Allele origin: germline. Affected: yes. Study: VKGL Data-share Consensus. Not counted in ClinVar's aggregate classification.

Literature cited by the submitters: PubMed 21459883 (cited by Mayo Clinic Laboratories, Mayo Clinic and Athena Diagnostics); PubMed 23582692 (cited by Mayo Clinic Laboratories, Mayo Clinic and Athena Diagnostics); PubMed 23861362 (cited by Mayo Clinic Laboratories, Mayo Clinic and Athena Diagnostics); PubMed 25342278 (cited by Mayo Clinic Laboratories, Mayo Clinic); PubMed 26512958 (cited by Athena Diagnostics).